The following is an entry in ClinVar:

ClinVar aggregate classification (germline): Uncertain significance (1 of 4 stars; one submission).

gnomAD v4.1: 2 of 1,614,182 alleles (0.00012%); highest among the groups gnomAD compares: Non-Finnish European, 0.00017%; no homozygotes.

Submission:

Genetic Services Laboratory, University of Chicago
Classification: Uncertain significance. Last evaluated: 2023-01-20. Review status: criteria provided, single submitter. Criteria: ACMG Guidelines, 2015. Collection method: clinical testing. Allele origin: germline. Affected: no.
Comment: DNA sequence analysis of the TET2 gene demonstrated a sequence change, c.605A>G, in exon 3 that results in an amino acid change, p.Asn202Ser. This sequence change does not appear to have been previously described in individuals with TET2-related disorders. This sequence change has been described in the gnomAD database in one individual which corresponds to a population frequency of 0.0004 % (dbSNP rs368921964). The p.Asn202Ser change affects a highly conserved amino acid residue located in a domain of the TET2 protein that is not known to be functional. In-silico pathogenicity prediction tools (SIFT, PolyPhen2, Align GVGD, REVEL) provide contradictory results for the p.Asn202Ser substitution. Due to insufficient evidences and the lack of functional studies, the clinical significance of the p.Asn202Ser change remains unknown at this time.

NM_001127208.3(TET2):c.605A>G (p.Asn202Ser)

Genes: TET2 (tet methylcytosine dioxygenase 2; plus strand), TET2-AS1 (TET2 antisense RNA 1; minus strand). Cytogenetic location: 4q24.
Variant type: single nucleotide variant.
Coding change: c.605A>G on transcript NM_001127208.3 (MANE Select); coding-DNA position 605, A replaced by G.
Protein change: p.Asn202Ser; replaces asparagine 202 with serine.
Molecular consequence: missense variant.
Genome position (GRCh38, 1-based): chr4:105,234,547, A>G. VCF-style: chr4-105234547-A-G. GRCh37 (hg19) VCF-style: chr4-106155704-A-G.
Other names: c.605A>G, p.Asn202Ser (NM_017628.4); short protein forms N202S.
Identifiers: ClinVar variation 4082527 (VCV004082527.2).